The following is an entry in ClinVar:

ClinVar aggregate classification (germline): Pathogenic (1 of 4 stars; one submission).

Submission:

Labcorp Genetics (formerly Invitae), Labcorp
Classification: Pathogenic. Last evaluated: 2025-07-29. Review status: criteria provided, single submitter. Criteria: Invitae Variant Classification Sherloc (09022015). Collection method: clinical testing. Allele origin: germline.
Comment: This sequence change creates a premature translational stop signal (p.Pro165Phefs*22) in the NDUFV2 gene. It is expected to result in an absent or disrupted protein product. Loss-of-function variants in NDUFV2 are known to be pathogenic (PMID: 12754703, 26008862). This variant is not present in population databases (gnomAD no frequency). This variant has not been reported in the literature in individuals affected with NDUFV2-related conditions. Algorithms developed to predict the effect of sequence changes on RNA splicing suggest that this variant may disrupt the consensus splice site. For these reasons, this variant has been classified as Pathogenic.

Literature cited by the submitters: PubMed 12754703; PubMed 26008862.

NM_021074.5(NDUFV2):c.492_502del (p.Pro165fs)

Genes: NDUFV2 (NADH:ubiquinone oxidoreductase core subunit V2; plus strand), NDUFV2-AS1 (NDUFV2 antisense RNA 1; minus strand). Cytogenetic location: 18p11.22.
Variant type: Deletion.
Coding change: c.492_502del on transcript NM_021074.5 (MANE Select); coding-DNA positions 492 to 502, 11 bases deleted (ACCTGACAAAC).
Protein change: p.Pro165fs; shifts the reading frame from proline 165.
Molecular consequence: frameshift variant.
Genome position (GRCh38, 1-based): chr18:9,124,896-9,124,906, ACCTGACAAAC deleted; deleting any 11 consecutive bases within chr18:9,124,894-9,124,906 gives the same sequence; the c. name uses the placement nearest the transcript's 3' end. VCF-style (leftmost placement, unchanged base first): chr18-9124893-TACACCTGACAA-T. GRCh37 (hg19) VCF-style: chr18-9124891-TACACCTGACAA-T.
Other names: short protein forms P165fs.
Identifiers: ClinVar variation 4811719 (VCV004811719.1).
Genomic context (GRCh38, chr18:9,124,893, plus strand): 5'-AAATATAACCTGGTCCTTAGAGTGTTTATTTGTATTTTTAGGAATAAAGGTTGGGGAGAC[TACACCTGACAA>T]ACTTTTCACTCTTATAGAAGTGGAATGTTTAGGGGCCTGTGTGAACGCACCAATGGTTCA-3'